The following is an entry in ClinVar:

ClinVar aggregate classification (germline): Pathogenic/Likely pathogenic. Review status: criteria provided, multiple submitters, no conflicts (2 of 4 stars). 11 submissions from 10 submitters: Pathogenic (6); Likely pathogenic (1). 4 of the submissions do not count toward it. Last evaluated 2026-07-30.

Conditions:
TULP1-related disorder. Also called: TULP1-related condition; TULP1-related disorders.
Retinitis pigmentosa 14 (RP14). Also called: RETINITIS PIGMENTOSA, JUVENILE, TULP1-RELATED. Identifiers: Orphanet 791, MedGen C1838603, MONDO:0010827, OMIM 600132.
Leber congenital amaurosis 15 (LCA15). Identifiers: Orphanet 65, MedGen C3151206, MONDO:0013457, OMIM 613843.
Autosomal recessive retinitis pigmentosa. Identifiers: MedGen C0339526.

Allele frequency attached by ClinVar (database versions not stated): gnomAD exomes 0.00001; TOPMed 0.00001; gnomAD 0.00003.

Submissions (11):

PreventionGenetics, part of Exact Sciences
Classification: Pathogenic for TULP1-related condition. Last evaluated: 2026-07-30. Review status: criteria provided, single submitter. Criteria: ACMG Guidelines, 2015. Collection method: clinical testing. Allele origin: germline.
Comment: The TULP1 c.1495+1G>A variant is predicted to disrupt the GT donor site and interfere with normal splicing. This variant has been reported in the homozygous state in multiple individuals with retinitis pigmentosa (for example, reported as IVS14+1G>A in Banerjee et al. 1998. PubMed ID: 9462751; Table S1 in Weisschuh et al. 2020. PubMed ID: 32531858; Table S1 in Maddirevula et al. 2020. PubMed ID: 32552793). This variant is reported in 0.0058% of alleles in individuals of Latino descent in gnomAD. Variants that disrupt the consensus splice donor site in TULP1 are expected to be pathogenic. Given the evidence, we interpret this variant as pathogenic.

Labcorp Genetics (formerly Invitae), Labcorp
Classification: Pathogenic. Last evaluated: 2025-09-17. Review status: criteria provided, single submitter. Criteria: Invitae Variant Classification Sherloc (09022015). Collection method: clinical testing. Allele origin: germline.
Comment: This sequence change affects a donor splice site in intron 14 of the TULP1 gene. While this variant is not anticipated to result in nonsense mediated decay, it likely alters RNA splicing and results in a disrupted protein product. This variant is present in population databases (rs281865168, gnomAD 0.006%). Disruption of this splice site has been observed in individuals with retinitis pigmentosa (PMID: 9462751, 26355662, 30337596). It has also been observed to segregate with disease in related individuals. ClinVar contains an entry for this variant (Variation ID: 99665). Variants that disrupt the consensus splice site are a relatively common cause of aberrant splicing (PMID: 17576681, 9536098). Algorithms developed to predict the effect of sequence changes on RNA splicing suggest that this variant may disrupt the consensus splice site. For these reasons, this variant has been classified as Pathogenic.

Fulgent Genetics
Classification: Likely pathogenic for Retinitis pigmentosa 14; Leber congenital amaurosis 15. Last evaluated: 2024-06-01. Review status: criteria provided, single submitter. Criteria: ACMG Guidelines, 2015. Collection method: clinical testing. Allele origin: germline.

Blueprint Genetics
Classification: Pathogenic for TULP1-related disorders. Last evaluated: 2024-04-18. Review status: criteria provided, single submitter. Criteria: ACMG Guidelines, 2015. Collection method: clinical testing. Allele origin: germline. Affected: yes. Observed: 5 variant alleles.

3billion
Classification: Pathogenic for Retinitis pigmentosa 14. Last evaluated: 2023-06-12. Review status: criteria provided, single submitter. Criteria: ACMG Guidelines, 2015. Collection method: clinical testing. Allele origin: germline. Affected: yes.
Comment: The variant is observed at an extremely low frequency in the gnomAD v2.1.1 dataset (total allele frequency: 0.001%). Predicted Consequence/Location: Canonical splice site: predicted to alter splicing and result in a loss or disruption of normal protein function. Multiple pathogenic variants are reported in the predicted truncated region. The variant has been reported at least twice as pathogenic with clinical assertions and evidence for the classification (ClinVar ID: VCV000099665 /PMID: 9462751 /3billion dataset). Therefore, this variant is classified as Pathogenic according to the recommendation of ACMG/AMP guideline.

CeGaT Center for Human Genetics Tuebingen
Classification: Pathogenic. Last evaluated: 2018-01-01. Review status: criteria provided, single submitter. Criteria: CeGaT Center For Human Genetics Tuebingen Variant Classification Criteria Version 2. Collection method: clinical testing. Allele origin: germline. Affected: yes. Observed: 1 variant allele.

Knight Diagnostic Laboratories, Oregon Health and Sciences University
Classification: Pathogenic for Leber congenital amaurosis 15. Last evaluated: 2015-09-26. Review status: criteria provided, single submitter. Criteria: ACMG Guidelines, 2015. Collection method: clinical testing. Allele origin: germline. Affected: no. Study: CSER-NextGen.
Comment: he c.1495+1 G>A canonical splice-donor variant in the TULP1 gene has been previously reported to co-segregate with disease in two Dominican family pedigrees and all individuals (n=33) who were diagnosed with arRP within these two pedigrees were found to be homozygous for the variant (Banerjee P et al., 1998; Lewis CA et al., 1999). An in vitro splicing assay (Abbasi AH et al, 2008) showed that the variant results in aberrant splicing. In a mouse model, the G>T transversion at this locus also resulted in abnormal RNA splicing products (Noben-Trauth K et al., 1996). Additionally, computational algorithms predict evolutionary conservation at this locus and a loss of the splice-donor site. The frequency of this variant is absent in the population databases (1000 Genome, Exome Sequencing Project and ExAC)

Knight Diagnostic Laboratories, Oregon Health and Sciences University
Classification: Pathogenic for Retinitis pigmentosa 14. Last evaluated: 2015-09-26. Review status: no assertion criteria provided. Criteria: ACMG Guidelines, 2015. Collection method: clinical testing. Allele origin: germline. Affected: no. Study: CSER-NextGen. Not counted in ClinVar's aggregate classification.

Faculty of Health Sciences, Beirut Arab University
Classification: Pathogenic for Autosomal recessive Retinitis Pigmentosa. Last evaluated: 2015-09-10. Review status: no assertion criteria provided. Collection method: literature only. Allele origin: germline. Affected: yes. Observed: 1 variant allele. Not counted in ClinVar's aggregate classification.

OMIM
Classification: Pathogenic for RETINITIS PIGMENTOSA 14. Last evaluated: 1998-02-01. Review status: no assertion criteria provided. Collection method: literature only. Allele origin: germline. Not counted in ClinVar's aggregate classification.

Retina International
No classification provided. Review status: no classification provided. Collection method: not provided. Allele origin: not provided. Not counted in ClinVar's aggregate classification.

Literature cited by the submitters: PubMed 9462751 (cited by 3 submitters); PubMed 26355662 (cited by Labcorp Genetics (formerly Invitae), Labcorp and Faculty of Health Sciences, Beirut Arab University); PubMed 30337596 (cited by Labcorp Genetics (formerly Invitae), Labcorp); PubMed 17576681 (cited by Labcorp Genetics (formerly Invitae), Labcorp); PubMed 9536098 (cited by Labcorp Genetics (formerly Invitae), Labcorp).

NM_003322.6(TULP1):c.1495+1G>A

Gene: TULP1 (TUB like protein 1; minus strand). Cytogenetic location: 6p21.31.
Variant type: single nucleotide variant.
Coding change: c.1495+1G>A on transcript NM_003322.6 (MANE Select); the canonical splice donor site of the intron after coding-DNA position 1495, G replaced by A.
Molecular consequence: splice donor variant.
Genome position (GRCh38, 1-based): chr6:35,499,980, C>T on the plus strand (G>A on the coding strand, the complement: TULP1 is on the minus strand). VCF-style: chr6-35499980-C-T. GRCh37 (hg19) VCF-style: chr6-35467757-C-T.
Other names: IVS14DS, G-A, +1; c.1495+1G>A (NM_003322.5); c.1336+1G>A (NM_001289395.2).
Identifiers: ClinVar variation 99665 (VCV000099665.57), dbSNP rs281865168, ClinGen allele CA227708.
Genomic context (GRCh38, chr6:35,499,980, plus strand): 5'-ATGAAGGTCAGCATCCTGGGGGTGGTGGAGAAGAGCCAGACCTGGGCCCTCAGGTACTCA[C>T]GGTCATCAGCGTGGACAATCTGGAAGTTCTTGACTGAGGCCTGGGTGACCCGGCCTTGGA-3'